The following is an entry in ClinVar:

NM_001013703.4(EIF2AK4):c.2526+233G>A

Gene: EIF2AK4 (eukaryotic translation initiation factor 2 alpha kinase 4; plus strand). Cytogenetic location: 15q15.1.
Variant type: single nucleotide variant.
Coding change: c.2526+233G>A on transcript NM_001013703.4 (MANE Select); 233 bases into the intron after coding-DNA position 2526, G replaced by A.
Molecular consequence: intron variant.
Genome position (GRCh38, 1-based): chr15:39,988,338, G>A. VCF-style: chr15-39988338-G-A. GRCh37 (hg19) VCF-style: chr15-40280539-G-A.
Identifiers: ClinVar variation 678484 (VCV000678484.1), dbSNP rs12912442, ClinGen allele CA15838034.

ClinVar aggregate classification (germline): Benign (1 of 4 stars; one submission).

Allele frequency attached by ClinVar (database versions not stated): TOPMed 0.09115; gnomAD 0.09413 and 0.09790; 1000 Genomes Project 30x 0.09760; 1000 Genomes Project 0.10044.
gnomAD v4.1: 14,902 of 152,194 alleles (9.8%); highest among the groups gnomAD compares: Middle Eastern, 24%; 857 homozygotes.

Submission:

GeneDx
Classification: Benign. Last evaluated: 2018-06-14. Review status: criteria provided, single submitter. Criteria: GeneDx Variant Classification (06012015). Collection method: clinical testing. Allele origin: germline. Affected: yes.
Comment: This variant is considered likely benign or benign based on one or more of the following criteria: it is a conservative change, it occurs at a poorly conserved position in the protein, it is predicted to be benign by multiple in silico algorithms, and/or has population frequency not consistent with disease.